The following is an entry in ClinVar:

ClinVar aggregate classification (germline): Uncertain significance (1 of 4 stars; one submission).

Submission:

Ambry Genetics
Classification: Uncertain significance. Last evaluated: 2026-06-28. Review status: criteria provided, single submitter. Criteria: Ambry Variant Classification Scheme 2023. Collection method: clinical testing. Allele origin: germline.
Comment: The p.G469C variant (also known as c.1405G>T), located in coding exon 6 of the WNK2 gene, results from a G to T substitution at nucleotide position 1405. The glycine at codon 469 is replaced by cysteine, an amino acid with highly dissimilar properties. This amino acid position is conserved. In addition, the in silico prediction for this alteration is inconclusive. Based on the available evidence, the clinical significance of this variant remains unclear.

NM_006648.4(WNK2):c.1405G>T (p.Gly469Cys)

Gene: WNK2 (WNK lysine deficient protein kinase 2; plus strand). Cytogenetic location: 9q22.31.
Variant type: single nucleotide variant.
Coding change: c.1405G>T on transcript NM_006648.4 (MANE Select); coding-DNA position 1405, G replaced by T.
Protein change: p.Gly469Cys; replaces glycine 469 with cysteine.
Molecular consequence: missense variant.
Genome position (GRCh38, 1-based): chr9:93,239,839, G>T. VCF-style: chr9-93239839-G-T. GRCh37 (hg19) VCF-style: chr9-96002121-G-T.
Other names: c.1405G>T, p.Gly469Cys (NM_001282394.3); short protein forms G469C.
Identifiers: ClinVar variation 5031814 (VCV005031814.1).
Genomic context (GRCh38, chr9:93,239,839, plus strand): 5'-AGCCACGCCTTCTTCGCAGAGGACACAGGCGTGAGGGTGGAGCTCGCGGAGGAGGACCAC[G>T]GCAGGAAGTCCACCATCGCCCTGAGGCTCTGGGTGGAAGACCCCAAGAAACTGAAGGGAA-3'
Protein context (NP_006639.3, residues 459-479): VRVELAEEDH[Gly469Cys]RKSTIALRLW